The following is an entry in ClinVar:

ClinVar aggregate classification (germline): Conflicting classifications of pathogenicity. Review status: criteria provided, conflicting classifications (1 of 4 stars). 8 submissions from 8 submitters: Uncertain significance (2); Likely benign (6). Last evaluated 2026-05-26.

Conditions:
PLEC-related disorder. Also called: PLEC-related disorders; PLEC-related condition.
Epidermolysis bullosa simplex, Ogna type (EBS5A). Also called: Pidermolysis bullosa simplex 5A, Ogna type; EPIDERMOLYSIS BULLOSA SIMPLEX 5A, OGNA TYPE. Identifiers: Orphanet 79401, MedGen C0432317, MONDO:0007555, OMIM 131950.
Epidermolysis bullosa simplex 5C, with pyloric atresia (EBS5C). Also called: PLEC-Related Epidermolysis Bullosa with Pyloric Atresia; Epidermolysis bullosa simplex with pyloric atresia; PLEC1-Related Epidermolysis Bullosa with Pyloric Atresia. Identifiers: Orphanet 158684, MedGen C2677349, MONDO:0012807, OMIM 612138.
Autosomal recessive limb-girdle muscular dystrophy type 2Q (LGMDR17). Also called: MUSCULAR DYSTROPHY, LIMB-GIRDLE, AUTOSOMAL RECESSIVE 17. Identifiers: Orphanet 254361, MedGen C3150989, MONDO:0013390, OMIM 613723.
Epidermolysis bullosa simplex with nail dystrophy (EBS5D). Identifiers: MedGen C4225309, MONDO:0014661, OMIM 616487.
Epidermolysis bullosa simplex 5B, with muscular dystrophy (EBS5B). Also called: EPIDERMOLYSIS BULLOSA SIMPLEX AND LIMB-GIRDLE MUSCULAR DYSTROPHY; Epidermolysis bullosa simplex with muscular dystrophy. Identifiers: Orphanet 257, MedGen C2931072, MONDO:0009181, OMIM 226670.

Allele frequency attached by ClinVar (database versions not stated): gnomAD 0.00153 and 0.00147; 1000 Genomes Project 30x 0.00047; 1000 Genomes Project 0.00060; gnomAD exomes 0.00089 and 0.00120; ESP Exome Variant Server 0.00103; ExAC 0.00143; TOPMed 0.00149.
gnomAD v4.1: 1,955 of 1,600,074 alleles (0.12%); highest among the groups gnomAD compares: Admixed American, 0.22%; 2 homozygotes.

Submissions (8):

PreventionGenetics, part of Exact Sciences
Classification: Uncertain significance for PLEC-related condition. Last evaluated: 2026-05-26. Review status: criteria provided, single submitter. Criteria: ACMG Guidelines, 2015. Collection method: clinical testing. Allele origin: germline.
Comment: The PLEC c.2318G>A variant is predicted to result in the amino acid substitution p.Arg773His. This variant has been reported, along with two other variants in the KCNH2 and LAMA4 genes, in an individual with sudden arrhythmic death syndrome (reported as R773H in Table S2, Nunn et al. 2015. PubMed ID: 26498160). This variant has also been reported in an individual with Emery-Dreifuss muscular dystrophy (reported with the genomic position 8:145005769 on GRCh37 and described as c.2648G>A in Table S5, Meinnke et al. 2019. PubMed ID: 31862442). This variant is reported in 0.15% of alleles in individuals of Latino descent in gnomAD, which is likely too frequent to be a primary cause of disease. Although we suspect that this variant may be benign, at this time, the clinical significance of this variant is uncertain due to the absence of conclusive functional and genetic evidence.

Labcorp Genetics (formerly Invitae), Labcorp
Classification: Uncertain significance for Autosomal recessive limb-girdle muscular dystrophy type 2Q; Epidermolysis bullosa simplex, Ogna type; Epidermolysis bullosa simplex with nail dystrophy; Epidermolysis bullosa simplex 5C, with pyloric atresia; Epidermolysis bullosa simplex 5B, with muscular dystrophy. Last evaluated: 2026-01-18. Review status: criteria provided, single submitter. Criteria: Invitae Variant Classification Sherloc (09022015). Collection method: clinical testing. Allele origin: germline.
Comment: This sequence change replaces arginine, which is basic and polar, with histidine, which is basic and polar, at codon 773 of the PLEC protein (p.Arg773His). This variant is present in population databases (rs200887085, gnomAD 0.2%), and has an allele count higher than expected for a pathogenic variant. This variant has not been reported in the literature in individuals affected with PLEC-related conditions. ClinVar contains an entry for this variant (Variation ID: 195001). An algorithm developed to predict the effect of missense changes on protein structure and function outputs the following: PolyPhen-2: "Not Available". The histidine amino acid residue is found in multiple mammalian species, which suggests that this missense change does not adversely affect protein function. In summary, the available evidence is currently insufficient to determine the role of this variant in disease. Therefore, it has been classified as a Variant of Uncertain Significance.

Mayo Clinic Laboratories, Mayo Clinic
Classification: Likely benign. Last evaluated: 2025-09-09. Review status: criteria provided, single submitter. Criteria: ACMG Guidelines, 2015. Collection method: clinical testing. Allele origin: germline. Observed: 3 variant alleles.
Comment: BS1, BP4

Blueprint Genetics
Classification: Likely benign. Last evaluated: 2024-11-26. Review status: criteria provided, single submitter. Criteria: ACMG Guidelines, 2015. Collection method: clinical testing. Allele origin: germline.

Athena Diagnostics
Classification: Likely benign. Last evaluated: 2024-04-30. Review status: criteria provided, single submitter. Criteria: Athena Diagnostics Criteria. Collection method: clinical testing. Allele origin: unknown.

CeGaT Center for Human Genetics Tuebingen
Classification: Likely benign. Last evaluated: 2023-10-01. Review status: criteria provided, single submitter. Criteria: CeGaT Center For Human Genetics Tuebingen Variant Classification Criteria Version 2. Collection method: clinical testing. Allele origin: germline. Affected: yes. Observed: 2 variant alleles.
Comment: PLEC: BS1

GeneDx
Classification: Likely benign. Last evaluated: 2017-10-31. Review status: criteria provided, single submitter. Criteria: GeneDx Variant Classification (06012015). Collection method: clinical testing. Allele origin: germline. Affected: yes.
Comment: This variant is considered likely benign or benign based on one or more of the following criteria: it is a conservative change, it occurs at a poorly conserved position in the protein, it is predicted to be benign by multiple in silico algorithms, and/or has population frequency not consistent with disease.

Eurofins Ntd Llc (ga)
Classification: Likely benign. Last evaluated: 2015-06-05. Review status: criteria provided, single submitter. Criteria: EGL Classification Definitions 2015. Collection method: clinical testing. Allele origin: germline. Observed: 2 variant alleles, 2 heterozygotes.

Literature cited by the submitters: PubMed 26498160 (cited by Athena Diagnostics); PubMed 31862442 (cited by Athena Diagnostics).

NM_201384.3(PLEC):c.2237G>A (p.Arg746His)

Gene: PLEC (plectin; minus strand). Cytogenetic location: 8q24.3.
Variant type: single nucleotide variant.
Coding change: c.2237G>A on transcript NM_201384.3 (MANE Select); coding-DNA position 2237, G replaced by A.
Protein change: p.Arg746His; replaces arginine 746 with histidine.
Molecular consequence: missense variant.
Genome position (GRCh38, 1-based): chr8:143,931,601, C>T on the plus strand (G>A on the coding strand, the complement: PLEC is on the minus strand). VCF-style: chr8-143931601-C-T. GRCh37 (hg19) VCF-style: chr8-145005769-C-T.
Other names: p.Arg732His; c.2318G>A, p.Arg773His (NM_000445.5); c.2195G>A, p.Arg732His (NM_201378.4); c.2171G>A, p.Arg724His (NM_201379.3); c.2648G>A, p.Arg883His (NM_201380.4); c.2141G>A, p.Arg714His (NM_201381.3); c.2237G>A, p.Arg746His (NM_201382.4); c.2249G>A, p.Arg750His (NM_201383.3); short protein forms R714H, R724H, R732H, R746H, R750H, R773H, R883H.
Identifiers: ClinVar variation 195001 (VCV000195001.59), dbSNP rs200887085, ClinGen allele CA201489.